The following is an entry in ClinVar:

ClinVar aggregate classification (germline): Uncertain significance. Review status: criteria provided, multiple submitters, no conflicts (2 of 4 stars). 2 submissions from 2 submitters: Uncertain significance (2). Last evaluated 2022-06-27.

Conditions:
Nemaline myopathy 5 (NEM5A). Also called: NEMALINE MYOPATHY 5A, AUTOSOMAL RECESSIVE, SEVERE INFANTILE; NEMALINE MYOPATHY, AMISH TYPE; Nemaline myopathy 5, Amish type. Identifiers: Orphanet 98902, MedGen C1854380, MONDO:0011539, OMIM 605355.

Allele frequency attached by ClinVar (database versions not stated): gnomAD 0.00001; gnomAD exomes 0.00001; TOPMed 0.00001.

Submissions (2):

Labcorp Genetics (formerly Invitae), Labcorp
Classification: Uncertain significance for Nemaline myopathy 5. Last evaluated: 2022-06-27. Review status: criteria provided, single submitter. Criteria: Invitae Variant Classification Sherloc (09022015). Collection method: clinical testing. Allele origin: germline.
Comment: In summary, the available evidence is currently insufficient to determine the role of this variant in disease. Therefore, it has been classified as a Variant of Uncertain Significance. Algorithms developed to predict the effect of missense changes on protein structure and function are either unavailable or do not agree on the potential impact of this missense change (SIFT: "Deleterious"; PolyPhen-2: "Probably Damaging"; Align-GVGD: "Class C0"). ClinVar contains an entry for this variant (Variation ID: 957494). This variant has not been reported in the literature in individuals affected with TNNT1-related conditions. This variant is not present in population databases (gnomAD no frequency). This sequence change replaces arginine, which is basic and polar, with cysteine, which is neutral and slightly polar, at codon 68 of the TNNT1 protein (p.Arg68Cys).

Revvity Omics, Revvity
Classification: Uncertain significance. Last evaluated: 2019-04-24. Review status: criteria provided, single submitter. Criteria: ACMG Guidelines, 2015. Collection method: clinical testing. Allele origin: germline.

NM_003283.6(TNNT1):c.202C>T (p.Arg68Cys)

Genes: TNNT1 (troponin T1, slow skeletal type; minus strand), LOC130065089 (ATAC-STARR-seq lymphoblastoid active region 15077; plus strand). Cytogenetic location: 19q13.42.
Variant type: single nucleotide variant.
Coding change: c.202C>T on transcript NM_003283.6 (MANE Select); coding-DNA position 202, C replaced by T.
Protein change: p.Arg68Cys; replaces arginine 68 with cysteine.
Molecular consequence: missense variant.
Genome position (GRCh38, 1-based): chr19:55,141,293, G>A on the plus strand (C>T on the coding strand, the complement: TNNT1 is on the minus strand). VCF-style: chr19-55141293-G-A. GRCh37 (hg19) VCF-style: chr19-55652661-G-A.
Other names: c.202C>T, p.Arg68Cys (NM_001126132.3); c.169C>T, p.Arg57Cys (NM_001126133.3, NM_001291774.2); c.202C>T (NM_003283.4); short protein forms R57C, R68C.
Identifiers: ClinVar variation 957494 (VCV000957494.8), dbSNP rs1317953556, ClinGen allele CA407435724.